The following is an entry in ClinVar:

NM_001846.4(COL4A2):c.3129_3137del (p.Ile1044_Gly1046del)

Gene: COL4A2 (collagen type IV alpha 2 chain; plus strand). Cytogenetic location: 13q34.
Variant type: Deletion.
Coding change: c.3129_3137del on transcript NM_001846.4 (MANE Select); coding-DNA positions 3129 to 3137, 9 bases deleted (CATCCCCGG; older notation c.3129_3137delCATCCCCGG).
Protein change: p.Ile1044_Gly1046del.
Molecular consequence: inframe deletion.
Genome position (GRCh38, 1-based): chr13:110,485,758-110,485,766, CATCCCCGG deleted; deleting any 9 consecutive bases within chr13:110,485,751-110,485,766 gives the same sequence; the c. name uses the placement nearest the transcript's 3' end. VCF-style (leftmost placement, unchanged base first): chr13-110485750-GTCCCCGGCA-G. GRCh37 (hg19) VCF-style: chr13-111138097-GTCCCCGGCA-G.
Identifiers: ClinVar variation 4279812 (VCV004279812.1).

ClinVar aggregate classification (germline): Uncertain significance (1 of 4 stars; one submission).

Conditions:
Brain small vessel disease 2A, autosomal dominant. Also called: Porencephaly 2. Identifiers: Orphanet 2940, Orphanet 99810, MedGen C3280970, MONDO:0013773, OMIM 614483.

Submission:

Clinical Genomics Laboratory, Washington University in St. Louis
Classification: Uncertain significance for Brain small vessel disease 2A, autosomal dominant. Last evaluated: 2025-06-02. Review status: criteria provided, single submitter. Criteria: ACMG Guidelines, 2015. Collection method: clinical testing. Allele origin: germline.
Comment: The COL4A2 c.3129_3137del (p.Ile1044_Gly1046del) variant, to our knowledge, has not been reported in the medical literature. This variant is absent from the general population (gnomAD v.4.1.0), indicating it is not a common variant. This variant is predicted to cause a change in the length of the protein due to an in-frame deletion of two amino acids including one glycine residue in a repeating Gly-X-Y amino acid sequence of COL4A2 that is defined as critical for the structure of the collagen (Richards AJ et al., PMID: 35885981). Due to limited information, and based on ACMG/AMP guidelines for variant interpretation (Richards S et al., PMID: 25741868), the clinical significance of this variant is uncertain at this time.